The following is an entry in ClinVar:

NC_000020.10:g.(?_43252823)_(43255260_?)del

Gene: ADA (adenosine deaminase; minus strand). Cytogenetic location: 20q13.12.
Variant type: Deletion.
Identifiers: ClinVar variation 1068993 (VCV001068993.5).

ClinVar aggregate classification (germline): Pathogenic (1 of 4 stars; one submission).

Conditions:
Severe combined immunodeficiency, autosomal recessive, T cell-negative, B cell-negative, NK cell-negative, due to adenosine deaminase deficiency. Also called: ADA deficiency; Adenosine deaminase deficient severe combined immunodeficiency; Severe combined immunodeficiency due to ADA deficiency; SCID DUE TO ADA DEFICIENCY; SCID DUE TO ADA DEFICIENCY, EARLY-ONSET; Adenosine Deaminase Deficiency. Identifiers: Orphanet 277, MedGen C0392607, MONDO:0007064, OMIM 102700.

Submission:

Labcorp Genetics (formerly Invitae), Labcorp
Classification: Pathogenic for Severe combined immunodeficiency, autosomal recessive, T cell-negative, B cell-negative, NK cell-negative, due to adenosine deaminase deficiency. Last evaluated: 2023-02-11. Review status: criteria provided, single submitter. Criteria: Invitae Variant Classification Sherloc (09022015). Collection method: clinical testing. Allele origin: germline.
Comment: This variant is a gross deletion of the genomic region encompassing exon(s) 4-6 of the ADA gene. This deletion is out-of-frame, and is expected to create a premature termination codon and result in an absent or disrupted protein product. Loss-of-function variants in ADA are known to be pathogenic (PMID: 26255240, 26376800). This variant has not been reported in the literature in individuals affected with ADA-related conditions. For these reasons, this variant has been classified as Pathogenic.

Literature cited by the submitters: PubMed 26255240; PubMed 26376800.